The following is an entry in ClinVar:

GRCh38/hg38 15q13.2-13.3(chr15:30109224-32149250)x3

Genes: ARHGAP11B (Rho GTPase activating protein 11B), ARHGAP11B-DT (ARHGAP11B divergent transcript), CHRFAM7A (CHRNA7 (exons 5-10) and FAM7A (exons A-E) fusion; minus strand), CHRNA7 (cholinergic receptor nicotinic alpha 7 subunit), FAN1 (FANCD2 and FANCI associated nuclease 1; plus strand) and 34 more. Cytogenetic location: 15q13.2-13.3.
Variant type: copy number gain.
Change: copy number 3 (three copies instead of two) of chr15:30,109,224-32,149,250 (2.04 Mb, GRCh38 coordinates, 1-based), cytogenetic band 15q13.2-13.3.
Identifiers: ClinVar variation 57602 (VCV000057602.3).

ClinVar aggregate classification (germline): Uncertain significance (1 of 4 stars; one submission).

Submission:

ISCA Site 6
Classification: Uncertain significance. Last evaluated: 2011-08-12. Review status: criteria provided, single submitter. Criteria: Kaminsky et al. (Genet Med. 2011). Collection method: clinical testing. Allele origin: unknown. Affected: yes. Observed: 1 variant allele.
Comment: Copy number variation identified through the course of routine clinical cytogenomic testing in postnatal populations. Clinical assertions have been curated as described in Kaminsky et al. 2011.